The following is an entry in ClinVar:

NM_001388492.1(HTT):c.2848G>T (p.Val950Leu)

Gene: HTT (huntingtin; plus strand). Cytogenetic location: 4p16.3.
Variant type: single nucleotide variant.
Coding change: c.2848G>T on transcript NM_001388492.1 (MANE Select); coding-DNA position 2848, G replaced by T.
Protein change: p.Val950Leu; replaces valine 950 with leucine.
Molecular consequence: missense variant.
Genome position (GRCh38, 1-based): chr4:3,140,559, G>T. VCF-style: chr4-3140559-G-T. GRCh37 (hg19) VCF-style: chr4-3142286-G-T.
Other names: c.2854G>T, p.Val952Leu (NM_002111.8); short protein forms V952L, V950L.
Identifiers: ClinVar variation 1363247 (VCV001363247.6), dbSNP rs372725851, ClinGen allele CA2823964.

ClinVar aggregate classification (germline): Uncertain significance (1 of 4 stars; one submission).

Allele frequency attached by ClinVar (database versions not stated): ExAC 0.00002; gnomAD 0.00002; gnomAD exomes 0.00002; TOPMed 0.00003; ESP Exome Variant Server 0.00008.
gnomAD v4.1: 28 of 1,613,990 alleles (0.0017%); highest among the groups gnomAD compares: African/African-American, 0.0053%; no homozygotes.

Submission:

Labcorp Genetics (formerly Invitae), Labcorp
Classification: Uncertain significance. Last evaluated: 2020-12-23. Review status: criteria provided, single submitter. Criteria: Invitae Variant Classification Sherloc (09022015). Collection method: clinical testing. Allele origin: germline.
Comment: In summary, the available evidence is currently insufficient to determine the role of this variant in disease. Therefore, it has been classified as a Variant of Uncertain Significance. Experimental studies and prediction algorithms are not available or were not evaluated, and the functional significance of this variant is currently unknown. This variant has not been reported in the literature in individuals with HTT-related conditions. This variant is present in population databases (rs372725851, ExAC 0.003%). This sequence change replaces valine with leucine at codon 952 of the HTT protein (p.Val952Leu). The valine residue is moderately conserved and there is a small physicochemical difference between valine and leucine.